The following is an entry in ClinVar:

ClinVar aggregate classification (germline): Likely pathogenic. Review status: criteria provided, single submitter (1 of 4 stars). 2 submissions from 2 submitters: Likely pathogenic (1). 1 of the submissions does not count toward it. Last evaluated 2025-05-30.

Submissions (2):

Labcorp Genetics (formerly Invitae), Labcorp
Classification: Likely pathogenic. Last evaluated: 2025-05-30. Review status: criteria provided, single submitter. Criteria: Invitae Variant Classification Sherloc (09022015). Collection method: clinical testing. Allele origin: germline.
Comment: This sequence change replaces glycine, which is neutral and non-polar, with alanine, which is neutral and non-polar, at codon 185 of the COL4A1 protein (p.Gly185Ala). This variant is not present in population databases (gnomAD no frequency). This variant has not been reported in the literature in individuals affected with COL4A1-related conditions. ClinVar contains an entry for this variant (Variation ID: 591288). Experimental studies and prediction algorithms are not available or were not evaluated, and the functional significance of this variant is currently unknown. This variant disrupts the triple helix domain of COL4A1. Glycine residues within the Gly-Xaa-Yaa repeats of the triple helix domain are required for the structure and stability of fibrillar collagens (PMID: 7695699, 8218237, 19344236). In COL4A1 variants affecting these glycine residues are significantly enriched in individuals with disease (PMID: 9016532, 17078022) compared to the general population (ExAC). In summary, the currently available evidence indicates that the variant is pathogenic, but additional data are needed to prove that conclusively. Therefore, this variant has been classified as Likely Pathogenic.

Gharavi Laboratory, Columbia University
Classification: Uncertain significance. Last evaluated: 2018-09-16. Review status: no assertion criteria provided. Criteria: ACMG Guidelines, 2015. Collection method: research. Allele origin: germline. Affected: yes. Not counted in ClinVar's aggregate classification.

Literature cited by the submitters: PubMed 7695699 (cited by Labcorp Genetics (formerly Invitae), Labcorp); PubMed 8218237 (cited by Labcorp Genetics (formerly Invitae), Labcorp); PubMed 19344236 (cited by Labcorp Genetics (formerly Invitae), Labcorp); PubMed 9016532 (cited by Labcorp Genetics (formerly Invitae), Labcorp); PubMed 17078022 (cited by Labcorp Genetics (formerly Invitae), Labcorp).

NM_001845.6(COL4A1):c.554G>C (p.Gly185Ala)

Gene: COL4A1 (collagen type IV alpha 1 chain; minus strand). Cytogenetic location: 13q34.
Variant type: single nucleotide variant.
Coding change: c.554G>C on transcript NM_001845.6 (MANE Select); coding-DNA position 554, G replaced by C.
Protein change: p.Gly185Ala; replaces glycine 185 with alanine.
Molecular consequence: missense variant.
Genome position (GRCh38, 1-based): chr13:110,210,041, C>G on the plus strand (G>C on the coding strand, the complement: COL4A1 is on the minus strand). VCF-style: chr13-110210041-C-G. GRCh37 (hg19) VCF-style: chr13-110862388-C-G.
Other names: c.554G>C, p.Gly185Ala (NM_001303110.2); short protein forms G185A.
Identifiers: ClinVar variation 591288 (VCV000591288.2), dbSNP rs1566376798, ClinGen allele CA388725547.